The following is an entry in ClinVar:

ClinVar aggregate classification (germline): Uncertain significance (1 of 4 stars; one submission).

Allele frequency attached by ClinVar (database versions not stated): gnomAD 0.00001; TOPMed 0.00001; gnomAD exomes 0.00004.
gnomAD v4.1: 56 of 1,612,290 alleles (0.0035%); highest among the groups gnomAD compares: East Asian, 0.011%; no homozygotes.

Submissions (2):

Labcorp Genetics (formerly Invitae), Labcorp
Classification: Uncertain significance. Last evaluated: 2022-06-18. Review status: criteria provided, single submitter. Criteria: Invitae Variant Classification Sherloc (09022015). Collection method: clinical testing. Allele origin: germline.
Comment: This sequence change falls in intron 15 of the EIF2B5 gene. It does not directly change the encoded amino acid sequence of the EIF2B5 protein. It affects a nucleotide within the consensus splice site. This variant is present in population databases (no rsID available, gnomAD 0.007%). This variant has not been reported in the literature in individuals affected with EIF2B5-related conditions. Variants that disrupt the consensus splice site are a relatively common cause of aberrant splicing (PMID: 17576681, 9536098). Algorithms developed to predict the effect of sequence changes on RNA splicing suggest that this variant may create or strengthen a splice site. In summary, the available evidence is currently insufficient to determine the role of this variant in disease. Therefore, it has been classified as a Variant of Uncertain Significance.

Dr. Peter K. Rogan Lab, Western University
No classification provided (evidence only). Condition: Sarcoma. Review status: no classification provided. Collection method: in vitro. Allele origin: not applicable. Functional consequence: retained intron. Not counted in ClinVar's aggregate classification.

Literature cited by the submitters: PubMed 17576681 (cited by Labcorp Genetics (formerly Invitae), Labcorp); PubMed 9536098 (cited by Labcorp Genetics (formerly Invitae), Labcorp).

NM_003907.3(EIF2B5):c.2106+5G>A

Gene: EIF2B5 (eukaryotic translation initiation factor 2B subunit epsilon; plus strand). Cytogenetic location: 3q27.1.
Variant type: single nucleotide variant.
Coding change: c.2106+5G>A on transcript NM_003907.3 (MANE Select); 5 bases into the intron after coding-DNA position 2106, G replaced by A.
Molecular consequence: intron variant.
Genome position (GRCh38, 1-based): chr3:184,144,712, G>A. VCF-style: chr3-184144712-G-A. GRCh37 (hg19) VCF-style: chr3-183862500-G-A.
Identifiers: ClinVar variation 2169667 (VCV002169667.2), dbSNP rs1171745993, ClinGen allele CA548397593.